The following is an entry in ClinVar:

NM_001386135.1(AFF3):c.1665C>T (p.Ala555=)

Gene: AFF3 (ALF transcription elongation factor 3; minus strand). Cytogenetic location: 2q11.2.
Variant type: single nucleotide variant.
Coding change: c.1665C>T on transcript NM_001386135.1 (MANE Select); coding-DNA position 1665, C replaced by T.
Protein change: p.Ala555=; no amino-acid change (alanine 555 retained).
Molecular consequence: synonymous variant.
Genome position (GRCh38, 1-based): chr2:99,593,996, G>A on the plus strand (C>T on the coding strand, the complement: AFF3 is on the minus strand). VCF-style: chr2-99593996-G-A. GRCh37 (hg19) VCF-style: chr2-100210458-G-A.
Other names: c.1740C>T, p.Ala580= (NM_001025108.2); c.1665C>T, p.Ala555= (NM_002285.3).
Identifiers: ClinVar variation 3234220 (VCV003234220.20), dbSNP rs149330691, ClinGen allele CA1801081.
Genomic context (GRCh38, chr2:99,593,996, plus strand): 5'-CGCGTTCTCCGCGGGCGCACAGGGCACTGCGGGTGGCGGGGCGGCTGCGCTCACCGCCAC[G>A]GCCACGGCCGCGGGCGGGGACTTCTGCTTCACGCCTTTACTCCCAGGGGCCTTGTTGGCT-3'
Protein context (NP_001373064.1, residues 545-565): VKQKSPPAAV[Ala555=]VAVSAAAPPP

ClinVar aggregate classification (germline): Likely benign (1 of 4 stars; one submission).

Allele frequency attached by ClinVar (database versions not stated): 1000 Genomes Project 30x 0.00031; 1000 Genomes Project 0.00040; TOPMed 0.00068; ESP Exome Variant Server 0.00069.
gnomAD v4.1: 200 of 1,542,322 alleles (0.013%); highest among the groups gnomAD compares: African/African-American, 0.25%; no homozygotes.

Submission:

CeGaT Center for Human Genetics Tuebingen
Classification: Likely benign. Last evaluated: 2024-04-01. Review status: criteria provided, single submitter. Criteria: CeGaT Center For Human Genetics Tuebingen Variant Classification Criteria Version 2. Collection method: clinical testing. Allele origin: germline. Affected: yes. Observed: 1 variant allele.
Comment: AFF3: BP4, BP7